The following is an entry in ClinVar:

ClinVar aggregate classification (germline): Uncertain significance (1 of 4 stars; one submission).

Conditions:
RYR1-related myopathy. Identifiers: Orphanet 98742, MedGen CN305348, MONDO:0100150.

Submission:

Victorian Clinical Genetics Services, Murdoch Childrens Research Institute
Classification: Uncertain significance for RYR1-related myopathy. Last evaluated: 2025-12-15. Review status: criteria provided, single submitter. Criteria: ACMG Guidelines, 2015. Collection method: clinical testing. Allele origin: germline. Affected: yes.
Comment: This variant is classified as VUS-3A. Evidence in support of pathogenic classification: Variant is absent from gnomAD (v2, v3 and v4); Missense variant predicted to be damaging by in silico tool(s) or highly conserved with a major amino acid change. Additional information: Variant is predicted to result in a missense amino acid change from Cys to Ser; This variant is heterozygous; This gene is associated with both recessive and dominant disease (OMIM); This variant has no previous evidence of pathogenicity; No published evidence of segregation with disease has been identified for this variant; No published functional evidence has been identified for this variant; No comparable missense variants have previous evidence for pathogenicity; Variant is located in the annotated ryanodine receptor junctional solenoid repeat (DECIPHER). - Loss of function and gain of function are known mechanisms of disease in this gene and are associated with RYR1-related disorders (OMIM). A gain of function mechanism has been described in the context of malignant hyperthermia susceptibility 1 (MIM#145600) and autosomal dominant congenital myopathy 1A with susceptibility to malignant hyperthermia (MIM#117000). Autosomal recessive congenital myopathy 1B (MIM#255320) is associated with a loss of function mechanism (PMIDs: 27855725, 23919265). The mechanism of King-Denborough syndrome (MIM#619542) is unclear; Parental origin of the variant is unresolved.

Literature cited by the submitters: PubMed 27855725; PubMed 23919265.

NM_000540.3(RYR1):c.5840G>C (p.Cys1947Ser)

Gene: RYR1 (ryanodine receptor 1; plus strand). Cytogenetic location: 19q13.2.
Variant type: single nucleotide variant.
Coding change: c.5840G>C on transcript NM_000540.3 (MANE Select); coding-DNA position 5840, G replaced by C.
Protein change: p.Cys1947Ser; replaces cysteine 1947 with serine.
Molecular consequence: missense variant.
Genome position (GRCh38, 1-based): chr19:38,490,101, G>C. VCF-style: chr19-38490101-G-C. GRCh37 (hg19) VCF-style: chr19-38980741-G-C.
Other names: c.5840G>C, p.Cys1947Ser (NM_001042723.2); short protein forms C1947S.
Identifiers: ClinVar variation 4818960 (VCV004818960.1).
Genomic context (GRCh38, chr19:38,490,101, plus strand): 5'-TCCATCTCTCCTCCCACACGGCTGTCCTTCCACAGATGTGCCACCTGCTGGAGTATTTCT[G>C]TGACCAAGAGCTGCAGCACCGTGTGGAGTCCCTGGCAGCCTTTGCGGAGCGCTATGTGGA-3'
Protein context (NP_000531.2, residues 1937-1957): LQMCHLLEYF[Cys1947Ser]DQELQHRVES